The following is an entry in ClinVar:

ClinVar aggregate classification (germline): Uncertain significance (1 of 4 stars; one submission).

Allele frequency attached by ClinVar (database versions not stated): gnomAD exomes below 0.00001.
gnomAD v4.1: 4 of 1,613,642 alleles (0.00025%); highest among the groups gnomAD compares: African/African-American, 0.0013%; no homozygotes.

Submission:

Labcorp Genetics (formerly Invitae), Labcorp
Classification: Uncertain significance. Last evaluated: 2022-08-23. Review status: criteria provided, single submitter. Criteria: Invitae Variant Classification Sherloc (09022015). Collection method: clinical testing. Allele origin: germline.
Comment: In summary, the available evidence is currently insufficient to determine the role of this variant in disease. Therefore, it has been classified as a Variant of Uncertain Significance. Algorithms developed to predict the effect of missense changes on protein structure and function (SIFT, PolyPhen-2, Align-GVGD) all suggest that this variant is likely to be disruptive. This variant has not been reported in the literature in individuals affected with DMXL2-related conditions. This variant is not present in population databases (gnomAD no frequency). This sequence change replaces glycine, which is neutral and non-polar, with serine, which is neutral and polar, at codon 648 of the DMXL2 protein (p.Gly648Ser).

NM_001378457.1(DMXL2):c.1942G>A (p.Gly648Ser)

Gene: DMXL2 (Dmx like 2; minus strand). Cytogenetic location: 15q21.2.
Variant type: single nucleotide variant.
Coding change: c.1942G>A on transcript NM_001378457.1 (MANE Select); coding-DNA position 1942, G replaced by A.
Protein change: p.Gly648Ser; replaces glycine 648 with serine.
Molecular consequence: missense variant. On other transcripts: non-coding transcript variant (2).
Genome position (GRCh38, 1-based): chr15:51,536,538, C>T on the plus strand (G>A on the coding strand, the complement: DMXL2 is on the minus strand). VCF-style: chr15-51536538-C-T. GRCh37 (hg19) VCF-style: chr15-51828735-C-T.
Other names: c.1942G>A, p.Gly648Ser (NM_001174116.3, NM_001174117.3, NM_001378458.1 and 6 more transcripts); c.1702G>A, p.Gly568Ser (NM_001378464.1); short protein forms G568S, G648S.
Identifiers: ClinVar variation 1930366 (VCV001930366.5), dbSNP rs112165438, ClinGen allele CA270607732.